The following is an entry in ClinVar:

NM_006393.3(NEBL):c.2820C>T (p.His940=)

Gene: NEBL (nebulette; minus strand). Cytogenetic location: 10p12.31.
Variant type: single nucleotide variant.
Coding change: c.2820C>T on transcript NM_006393.3 (MANE Select); coding-DNA position 2820, C replaced by T.
Protein change: p.His940=; no amino-acid change (histidine 940 retained).
Molecular consequence: synonymous variant.
Genome position (GRCh38, 1-based): chr10:20,787,250, G>A on the plus strand (C>T on the coding strand, the complement: NEBL is on the minus strand). VCF-style: chr10-20787250-G-A. GRCh37 (hg19) VCF-style: chr10-21076179-G-A.
Other names: c.588C>T, p.His196= (NM_001173484.2, NM_213569.2); c.681C>T, p.His227= (NM_001377322.1); c.540C>T, p.His180= (NM_001377323.1); c.531C>T, p.His177= (NM_001377324.1); c.522C>T, p.His174= (NM_001377325.1); c.480C>T, p.His160= (NM_001377326.1, NM_001377327.1, NM_001377328.1).
Identifiers: ClinVar variation 164735 (VCV000164735.20), dbSNP rs532565487, ClinGen allele CA177410.

ClinVar aggregate classification (germline): Benign/Likely benign. Review status: criteria provided, multiple submitters, no conflicts (2 of 4 stars). 5 submissions from 5 submitters: Benign (2); Likely benign (2). 1 of the submissions does not count toward it. Last evaluated 2025-11-21.

Conditions:
NEBL-related disorder. Also called: NEBL-related condition.
Primary dilated cardiomyopathy (DCM). Also called: Dilated Cardiomyopathy. Identifiers: Orphanet 217604, MedGen C0007193, MeSH D002311, MONDO:0005021, HP:0001644. Inheritance: Various modes of inheritance.

Allele frequency attached by ClinVar (database versions not stated): gnomAD 0.00001 and 0.00009; TOPMed 0.00003; gnomAD exomes 0.00027 and 0.00055; ExAC 0.00064; 1000 Genomes Project 0.00100; 1000 Genomes Project 30x 0.00109.
gnomAD v4.1: 411 of 1,613,500 alleles (0.025%); highest among the groups gnomAD compares: South Asian, 0.43%; 4 homozygotes.

Submissions (5):

Labcorp Genetics (formerly Invitae), Labcorp
Classification: Benign for Primary dilated cardiomyopathy. Last evaluated: 2025-11-21. Review status: criteria provided, single submitter. Criteria: Invitae Variant Classification Sherloc (09022015). Collection method: clinical testing. Allele origin: germline.

Ambry Genetics
Classification: Likely benign. Last evaluated: 2022-04-25. Review status: criteria provided, single submitter. Criteria: Ambry Variant Classification Scheme 2023. Collection method: clinical testing. Allele origin: germline.

GeneDx
Classification: Benign. Last evaluated: 2015-08-24. Review status: criteria provided, single submitter. Criteria: GeneDx Variant Classification (06012015). Collection method: clinical testing. Allele origin: germline. Affected: yes.
Comment: This variant is considered likely benign or benign based on one or more of the following criteria: it is a conservative change, it occurs at a poorly conserved position in the protein, it is predicted to be benign by multiple in silico algorithms, and/or has population frequency not consistent with disease.

Laboratory for Molecular Medicine, Mass General Brigham Personalized Medicine
Classification: Likely benign. Last evaluated: 2014-02-06. Review status: criteria provided, single submitter. Criteria: LMM Criteria. Collection method: clinical testing. Allele origin: germline. Observed: 1 variant allele.
Comment: His940His in exon 27 of NEBL: This variant is not expected to have clinical sign ificance because it does not alter an amino acid residue and is not located with in the splice consensus sequence. His940His in exon 27 of NEBL (allele frequenc y = n/a)

PreventionGenetics, part of Exact Sciences
Classification: Likely benign for NEBL-related condition. Last evaluated: 2019-05-08. Review status: no assertion criteria provided. Collection method: clinical testing. Allele origin: germline. Not counted in ClinVar's aggregate classification.
Comment: This variant is classified as likely benign based on ACMG/AMP sequence variant interpretation guidelines (Richards et al. 2015 PMID: 25741868, with internal and published modifications).